The following is an entry in ClinVar:

ClinVar aggregate classification (germline): Uncertain significance. Review status: criteria provided, multiple submitters, no conflicts (2 of 4 stars). 2 submissions from 2 submitters: Uncertain significance (2). Last evaluated 2024-01-28.

Conditions:
Short-rib thoracic dysplasia 10 with or without polydactyly (SRTD10). Identifiers: Orphanet 474, MedGen C3810175, MONDO:0014284, OMIM 615630.
Retinitis pigmentosa 71 (RP71). Identifiers: Orphanet 791, MedGen C4225342, MONDO:0014618, OMIM 616394.

Allele frequency attached by ClinVar (database versions not stated): TOPMed below 0.00001.

Submissions (2):

Labcorp Genetics (formerly Invitae), Labcorp
Classification: Uncertain significance for Retinitis pigmentosa 71; Short-rib thoracic dysplasia 10 with or without polydactyly. Last evaluated: 2024-01-28. Review status: criteria provided, single submitter. Criteria: Invitae Variant Classification Sherloc (09022015). Collection method: clinical testing. Allele origin: germline.
Comment: This sequence change replaces leucine, which is neutral and non-polar, with phenylalanine, which is neutral and non-polar, at codon 1631 of the IFT172 protein (p.Leu1631Phe). This variant is not present in population databases (gnomAD no frequency). This variant has not been reported in the literature in individuals affected with IFT172-related conditions. Advanced modeling of protein sequence and biophysical properties (such as structural, functional, and spatial information, amino acid conservation, physicochemical variation, residue mobility, and thermodynamic stability) performed at Invitae indicates that this missense variant is expected to disrupt IFT172 protein function with a positive predictive value of 80%. In summary, the available evidence is currently insufficient to determine the role of this variant in disease. Therefore, it has been classified as a Variant of Uncertain Significance.

Blueprint Genetics
Classification: Uncertain significance. Last evaluated: 2020-05-07. Review status: criteria provided, single submitter. Criteria: ACMG Guidelines, 2015. Collection method: clinical testing. Allele origin: germline.

NM_015662.3(IFT172):c.4891C>T (p.Leu1631Phe)

Genes: KRTCAP3 (keratinocyte associated protein 3; plus strand), IFT172 (intraflagellar transport 172; minus strand). Cytogenetic location: 2p23.3.
Variant type: single nucleotide variant.
Coding change: c.4891C>T on transcript NM_015662.3 (MANE Select); coding-DNA position 4891, C replaced by T.
Protein change: p.Leu1631Phe; replaces leucine 1631 with phenylalanine.
Molecular consequence: missense variant. On other transcripts: intron variant (1).
Genome position (GRCh38, 1-based): chr2:27,445,768, G>A on the plus strand (C>T on the coding strand, the complement: IFT172 is on the minus strand). VCF-style: chr2-27445768-G-A. GRCh37 (hg19) VCF-style: chr2-27668635-G-A.
Other names: c.4825C>T, p.Leu1609Phe (NM_001410739.1); c.*6-533G>A (NM_001168364.2); short protein forms L1609F, L1631F.
Identifiers: ClinVar variation 2922315 (VCV002922315.2), dbSNP rs757813720, ClinGen allele CA346414415.
Genomic context (GRCh38, chr2:27,445,768, plus strand): 5'-GGTGAGGCCTTCCGGTTTTCCAACCCTGTGCCCTTACCGGTACATGCTGCTTAGCTGGGA[G>A]TGGCACCTCAAAGGGAATGTCTGTATCCTGAAAATCAGAGTGGTCAAGGCCATCTAGAGT-3'
Protein context (NP_056477.1, residues 1621-1641): QDTDIPFEVP[Leu1631Phe]PAKQHVPEAE